The following is an entry in ClinVar:

NM_007294.4(BRCA1):c.4399del (p.Gln1467fs)

Gene: BRCA1 (BRCA1 DNA repair associated; minus strand). Cytogenetic location: 17q21.31.
Variant type: Deletion.
Coding change: c.4399del on transcript NM_007294.4 (MANE Select); coding-DNA position 4399, one base deleted (C; older notation c.4399delC).
Protein change: p.Gln1467fs; shifts the reading frame from glutamine 1467.
Molecular consequence: frameshift variant. On other transcripts: intron variant (3).
Genome position (GRCh38, 1-based): chr17:43,076,573, G deleted on the plus strand (C on the coding strand, the reverse complement: BRCA1 is on the minus strand); the first of 2 consecutive G bases (chr17:43,076,573-43,076,574); deleting either gives the same sequence. VCF-style (leftmost placement, unchanged base first): chr17-43076572-TG-T. GRCh37 (hg19) VCF-style: chr17-41228589-TG-T.
Other names: c.4186del, p.Gln1396fs (NM_001407571.1, NM_001407894.1, NM_001407895.1 and 12 more transcripts); c.4465del, p.Gln1489fs (NM_001407581.1, NM_001407582.1); c.4462del, p.Gln1488fs (NM_001407583.1, NM_001407585.1, NM_001407587.1 and 1 more transcripts); c.4459del, p.Gln1487fs (NM_001407590.1, NM_001407591.1); c.4399del, p.Gln1467fs (NM_001407593.1, NM_001407594.1, NM_001407596.1 and 8 more transcripts); c.4396del, p.Gln1466fs (NM_001407610.1, NM_001407611.1, NM_001407612.1 and 17 more transcripts); c.4393del, p.Gln1465fs (NM_001407627.1, NM_001407628.1, NM_001407629.1 and 14 more transcripts); c.4390del, p.Gln1464fs (NM_001407644.1, NM_001407645.1); and 72 more; short protein forms Q1170fs, Q1171fs, Q1298fs, Q1338fs, Q1339fs, Q1340fs, Q1354fs, Q1355fs.
Identifiers: ClinVar variation 3075793 (VCV003075793.1), dbSNP rs2551679304, ClinGen allele CA2638063603.

ClinVar aggregate classification (germline): Likely pathogenic (1 of 4 stars; one submission).

Conditions:
Hereditary breast ovarian cancer syndrome. Also called: Hereditary breast and ovarian cancer syndrome; Hereditary breast and ovarian cancer; Hereditary breast and ovarian cancer syndrome (HBOC); Breast and ovarian cancer; Hereditary breast and/or ovarian cancer syndrome; BRCA1- and BRCA2-Associated Hereditary Breast and Ovarian Cancer. Identifiers: Orphanet 145, MedGen C0677776, MeSH D061325, MONDO:0003582. Disease mechanism: loss of function.

Submission:

Laboratory for Molecular Medicine, Mass General Brigham Personalized Medicine
Classification: Likely pathogenic for Hereditary breast ovarian cancer syndrome. Last evaluated: 2019-10-14. Review status: criteria provided, single submitter. Criteria: ACMG Guidelines, 2015. Collection method: clinical testing. Allele origin: germline.
Comment: The p.Gln1467ArgfsX38 variant in BRCA1 has not been previously reported in individuals with hereditary breast and/or ovarian cancer (HBOC) and was absent from large population studies. This variant is predicted to cause a frameshift, which alters the protein’s amino acid sequence beginning at position 1467 and leads to a premature termination codon 38 amino acids downstream. This alteration is then predicted to lead to a truncated or absent protein. Loss of function of the BRCA1 gene is an established disease mechanism in autosomal dominant HBOC. In summary, although additional studies are required to fully establish its clinical significance, this variant meets criteria to be classified as likely pathogenic for autosomal dominant HBOC. ACMG/AMP Criteria applied: PVS1, PM2.